The following is an entry in ClinVar:

ClinVar aggregate classification (germline): Uncertain significance. Review status: criteria provided, multiple submitters, no conflicts (2 of 4 stars). 2 submissions from 2 submitters: Uncertain significance (2). Last evaluated 2022-03-22.

Submissions (2):

GeneDx
Classification: Uncertain significance. Last evaluated: 2022-03-22. Review status: criteria provided, single submitter. Criteria: GeneDx Variant Classification Process June 2021. Collection method: clinical testing. Allele origin: germline. Affected: yes.
Comment: Not observed at significant frequency in large population cohorts (gnomAD); In silico analysis supports that this missense variant does not alter protein structure/function; Has not been previously published as pathogenic or benign to our knowledge

Blueprint Genetics
Classification: Uncertain significance. Last evaluated: 2021-10-18. Review status: criteria provided, single submitter. Criteria: ACMG Guidelines, 2015. Collection method: clinical testing. Allele origin: germline.

NM_012208.4(HARS2):c.1033C>T (p.Pro345Ser)

Gene: HARS2 (histidyl-tRNA synthetase 2, mitochondrial; plus strand). Cytogenetic location: 5q31.3.
Variant type: single nucleotide variant.
Coding change: c.1033C>T on transcript NM_012208.4 (MANE Select); coding-DNA position 1033, C replaced by T.
Protein change: p.Pro345Ser; replaces proline 345 with serine.
Molecular consequence: missense variant.
Genome position (GRCh38, 1-based): chr5:140,697,242, C>T. VCF-style: chr5-140697242-C-T. GRCh37 (hg19) VCF-style: chr5-140076827-C-T.
Other names: c.958C>T, p.Pro320Ser (NM_001278731.2); c.601C>T, p.Pro201Ser (NM_001278732.2); c.1051C>T, p.Pro351Ser (NM_001363535.2); c.823C>T, p.Pro275Ser (NM_001363536.2); short protein forms P201S, P275S, P320S, P345S, P351S.
Identifiers: ClinVar variation 1707373 (VCV001707373.3), dbSNP rs979385946, ClinGen allele CA361201222.